The following is an entry in ClinVar:

NM_001605.3(AARS1):c.602C>T (p.Ala201Val)

Gene: AARS1 (alanyl-tRNA synthetase 1; minus strand). Cytogenetic location: 16q22.1.
Variant type: single nucleotide variant.
Coding change: c.602C>T on transcript NM_001605.3 (MANE Select); coding-DNA position 602, C replaced by T.
Protein change: p.Ala201Val; replaces alanine 201 with valine.
Molecular consequence: missense variant.
Genome position (GRCh38, 1-based): chr16:70,271,850, G>A on the plus strand (C>T on the coding strand, the complement: AARS1 is on the minus strand). VCF-style: chr16-70271850-G-A. GRCh37 (hg19) VCF-style: chr16-70305753-G-A.
Other names: short protein forms A201V.
Identifiers: ClinVar variation 1315182 (VCV001315182.2), dbSNP rs1028669019, ClinGen allele CA283444279.

ClinVar aggregate classification (germline): Uncertain significance (1 of 4 stars; one submission).

Allele frequency attached by ClinVar (database versions not stated): gnomAD exomes below 0.00001.

Submission:

GeneDx
Classification: Uncertain significance. Last evaluated: 2020-02-27. Review status: criteria provided, single submitter. Criteria: GeneDx Variant Classification Process June 2021. Collection method: clinical testing. Allele origin: germline. Affected: yes.
Comment: Has not been previously published as pathogenic or benign to our knowledge; Not observed in large population cohorts (Lek et al., 2016); In silico analysis supports that this missense variant has a deleterious effect on protein structure/function